The following is an entry in ClinVar:

NM_001909.5(CTSD):c.1215C>A (p.Gly405=)

Gene: CTSD (cathepsin D; minus strand). Cytogenetic location: 11p15.5.
Variant type: single nucleotide variant.
Coding change: c.1215C>A on transcript NM_001909.5 (MANE Select); coding-DNA position 1215, C replaced by A.
Protein change: p.Gly405=; no amino-acid change (glycine 405 retained).
Molecular consequence: synonymous variant.
Genome position (GRCh38, 1-based): chr11:1,753,527, G>T on the plus strand (C>A on the coding strand, the complement: CTSD is on the minus strand). VCF-style: chr11-1753527-G-T. GRCh37 (hg19) VCF-style: chr11-1774757-G-T.
Identifiers: ClinVar variation 128872 (VCV000128872.33), dbSNP rs138733377, ClinGen allele CA152535.
Genomic context (GRCh38, chr11:1,753,527, plus strand): 5'-CTCTGTTTCTGTGCTGGCGCGCGGACGCCTTGGGAACTAGAGGCGGGCAGCCTCGGCGAA[G>T]CCCACCCTGTTGTTGTCACGGTCAAACACAGTGTAGTAGCGGCCGATGAAGACGTCGCCC-3'
Protein context (NP_001900.1, residues 395-412): TVFDRDNNRV[Gly405=]FAEAARL

ClinVar aggregate classification (germline): Benign. Review status: criteria provided, multiple submitters, no conflicts (2 of 4 stars). 12 submissions from 11 submitters: Benign (8). 4 of the submissions do not count toward it. Last evaluated 2026-02-03.

Conditions:
Inborn genetic diseases. Identifiers: MedGen C0950123, MeSH D030342.
Neuronal ceroid lipofuscinosis. Also called: Neuronal Ceroid Lipofuscinoses. Identifiers: Orphanet 216, Orphanet 79263, MedGen C0027877, MONDO:0016295. Disease mechanism: loss of function.
Neuronal ceroid lipofuscinosis 10 (CLN10). Also called: NEURONAL CEROID LIPOFUSCINOSIS DUE TO CATHEPSIN D DEFICIENCY; CTSD-Related Neuronal Ceroid-Lipofuscinosis. Identifiers: Orphanet 228337, MedGen C1864669, MONDO:0012414, OMIM 610127.

Allele frequency attached by ClinVar (database versions not stated): 1000 Genomes Project 0.00419; 1000 Genomes Project 30x 0.00422; ExAC 0.01176; TOPMed 0.01227; gnomAD 0.01235 and 0.01277; ESP Exome Variant Server 0.01354.
gnomAD v4.1: 27,402 of 1,612,964 alleles (1.7%); highest among the groups gnomAD compares: Non-Finnish European, 2.1%; 292 homozygotes.

Submissions (12):

Labcorp Genetics (formerly Invitae), Labcorp
Classification: Benign for Neuronal ceroid lipofuscinosis. Last evaluated: 2026-02-03. Review status: criteria provided, single submitter. Criteria: Invitae Variant Classification Sherloc (09022015). Collection method: clinical testing. Allele origin: germline.

Athena Diagnostics
Classification: Benign. Last evaluated: 2025-01-07. Review status: criteria provided, single submitter. Criteria: Athena Diagnostics Criteria. Collection method: clinical testing. Allele origin: unknown.
Comment: The frequency of this variant in the general population is higher than would generally be expected for pathogenic variants in this gene.

Illumina Laboratory Services, Illumina
Classification: Benign for Neuronal ceroid lipofuscinosis 10. Last evaluated: 2018-01-13. Review status: criteria provided, single submitter. Criteria: ICSL Variant Classification Criteria 13 December 2019. Collection method: clinical testing. Allele origin: germline.
Comment: This variant was observed in the ICSL laboratory as part of a predisposition screen in an ostensibly healthy population. It had not been previously curated by ICSL or reported in the Human Gene Mutation Database (HGMD: prior to June 1st, 2018), and was therefore a candidate for classification through an automated scoring system. Utilizing variant allele frequency, disease prevalence and penetrance estimates, and inheritance mode, an automated score was calculated to assess if this variant is too frequent to cause the disease. Based on the score and internal cut-off values, a variant classified as benign is not then subjected to further curation. The score for this variant resulted in a classification of benign for this disease.

Ambry Genetics
Classification: Benign for Inborn genetic diseases. Last evaluated: 2016-05-15. Review status: criteria provided, single submitter. Criteria: Ambry Variant Classification Scheme 2023. Collection method: clinical testing. Allele origin: germline.

Genome Diagnostics Laboratory, University Medical Center Utrecht
Classification: Benign for Neuronal ceroid lipofuscinosis 10. Last evaluated: 2015-07-09. Review status: criteria provided, single submitter. Criteria: ACGS Guidelines, 2013. Collection method: clinical testing. Allele origin: germline. Affected: yes. Study: VKGL Data-share Consensus.

GeneDx
Classification: Benign. Last evaluated: 2015-03-03. Review status: criteria provided, single submitter. Criteria: GeneDx Variant Classification Process June 2021. Collection method: clinical testing. Allele origin: germline. Affected: yes.

Breakthrough Genomics
Classification: Benign. Review status: criteria provided, single submitter. Criteria: ACMG Guidelines, 2015. Collection method: not provided. Allele origin: germline. Inheritance: Autosomal recessive inheritance. Affected: yes.

PreventionGenetics, part of Exact Sciences
Classification: Benign. Review status: criteria provided, single submitter. Criteria: ACMG Guidelines, 2015. Collection method: clinical testing. Allele origin: germline.

Mayo Clinic Laboratories, Mayo Clinic
Classification: Likely benign. Last evaluated: 2017-04-25. Review status: no assertion criteria provided. Collection method: clinical testing. Allele origin: unknown. Not counted in ClinVar's aggregate classification.

Genome Diagnostics Laboratory, Amsterdam University Medical Center
Classification: Likely benign for Neuronal ceroid lipofuscinosis 10. Last evaluated: 2016-07-20. Review status: no assertion criteria provided. Criteria: ACGS Guidelines, 2013. Collection method: clinical testing. Allele origin: germline. Affected: yes. Study: VKGL Data-share Consensus. Not counted in ClinVar's aggregate classification.

Genetic Services Laboratory, University of Chicago
Classification: Likely benign for AllHighlyPenetrant. Review status: no assertion criteria provided. Collection method: clinical testing. Allele origin: germline. Inheritance: Autosomal recessive inheritance. Not counted in ClinVar's aggregate classification.
Comment: Likely benign based on allele frequency in 1000 Genomes Project or ESP global frequency and its presence in a patient with a rare or unrelated disease phenotype. NOT Sanger confirmed.

Genome Diagnostics Laboratory, Amsterdam University Medical Center
Classification: Benign. Review status: no assertion criteria provided. Collection method: clinical testing. Allele origin: germline. Affected: yes. Study: VKGL Data-share Consensus. Not counted in ClinVar's aggregate classification.

Literature cited by the submitters: PubMed 32412666 (cited by Athena Diagnostics).